The following is an entry in ClinVar:

ClinVar aggregate classification (germline): Pathogenic (1 of 4 stars; one submission).

Conditions:
Tooth agenesis, selective, 7 (STHAG7). Identifiers: Orphanet 99798, MedGen C4225231, MONDO:0014749, OMIM 616724.

Submission:

Victorian Clinical Genetics Services, Murdoch Childrens Research Institute
Classification: Pathogenic for Tooth agenesis, selective, 7. Last evaluated: 2022-02-02. Review status: criteria provided, single submitter. Criteria: ACMG Guidelines, 2015. Collection method: clinical testing. Allele origin: germline. Inheritance: Autosomal dominant inheritance.
Comment: Based on the classification scheme VCGS_Germline_v1.3.4, this variant is classified as Pathogenic. Following criteria are met: 0102 - Loss of function is a known mechanism of disease in this gene and is associated with selective tooth agenesis 7 (MIM#616724). (I) 0107 - This gene is associated with autosomal dominant disease. (I) 0115 - Variants in this gene are known to have variable expressivity. Intra-familial variability of phenotypes has been reported (PMIDs: 26387593, 34306029). (I) 0201 - Variant is predicted to cause nonsense-mediated decay (NMD) and loss of protein (premature termination codon is located at least 54 nucleotides upstream of the final exon-exon junction). (SP) 0251 - This variant is heterozygous. (I) 0301 - Variant is absent from gnomAD (both v2 and v3). (SP) 0701 - Other premature termination variants comparable to the one identified in this case have very strong previous evidence for pathogenicity. Many NMD-predicted variants have been reported in individuals with tooth agenesis (PMID: 34306029) and as likely pathogenic/pathogenic in ClinVar. (SP) 0807 - This variant has no previous evidence of pathogenicity. (I) 0905 - No published segregation evidence has been identified for this variant. (I) 1007 - No published functional evidence has been identified for this variant. (I) 1208 - Inheritance information for this variant is not currently available in this individual. (I) Legend: (SP) - Supporting pathogenic, (I) - Information, (SB) - Supporting benign

Literature cited by the submitters: PubMed 26387593; PubMed 34306029.

NM_002336.3(LRP6):c.3332dup (p.Ser1111fs)

Gene: LRP6 (LDL receptor related protein 6; minus strand). Cytogenetic location: 12p13.2.
Variant type: Duplication.
Coding change: c.3332dup on transcript NM_002336.3 (MANE Select); coding-DNA position 3332, one base duplicated (G; older notation c.3332dupG).
Protein change: p.Ser1111fs; shifts the reading frame from serine 1111.
Molecular consequence: frameshift variant.
Genome position (GRCh38, 1-based): chr12:12,147,431, C duplicated on the plus strand (G on the coding strand, the reverse complement: LRP6 is on the minus strand). VCF-style (leftmost placement, unchanged base first): chr12-12147430-G-GC. GRCh37 (hg19) VCF-style: chr12-12300364-G-GC.
Other names: c.3332dup, p.Ser1111Argfs (NM_001414244.1, NM_001414245.1, NM_001414246.1 and 4 more transcripts); c.3134dup, p.Ser1045Argfs (NM_001414247.1); c.2879dup, p.Ser960Argfs (NM_001414252.1, NM_001414253.1, NM_001414254.1); c.2825dup, p.Ser942Argfs (NM_001414255.1); short protein forms S1111fs.
Identifiers: ClinVar variation 1805121 (VCV001805121.1), dbSNP rs2498742907, ClinGen allele CA2573050697.